The following is an entry in ClinVar:

ClinVar aggregate classification (germline): Pathogenic (1 of 4 stars; one submission).

Conditions:
Niemann-Pick disease, type C1. Also called: NEUROVISCERAL STORAGE DISEASE WITH VERTICAL SUPRANUCLEAR OPHTHALMOPLEGIA; NIEMANN-PICK DISEASE WITH CHOLESTEROL ESTERIFICATION BLOCK; NIEMANN-PICK DISEASE WITHOUT SPHINGOMYELINASE DEFICIENCY; NIEMANN-PICK DISEASE, CHRONIC NEURONOPATHIC FORM; NIEMANN-PICK DISEASE, VARIANT TYPE C1. Identifiers: Orphanet 646, MedGen C3179455, MONDO:0009757, OMIM 257220.

Submission:

Labcorp Genetics (formerly Invitae), Labcorp
Classification: Pathogenic for Niemann-Pick disease, type C1. Last evaluated: 2024-01-03. Review status: criteria provided, single submitter. Criteria: Invitae Variant Classification Sherloc (09022015). Collection method: clinical testing. Allele origin: germline.
Comment: This sequence change inserts a large fragment of DNA, likely a transposable element, in exon 14 of the NPC1 gene (c.2142_2143ins?), causing a frameshift at codon 715 (p.Leu715fs). The exact size and sequence of the insertion cannot be determined by the current assay. However, the insertion is expected to result in an absent or disrupted protein product. This variant is not present in population databases (gnomAD no frequency). This variant has not been reported in the literature in individuals affected with NPC1-related conditions. Retrotransposon insertions including LINE1 (L1), Alu, and SVA (SINE-VNTR-Alu) have been reported to be disease-causing through disruption of either a coding region or splice site (PMID: 19763152, 20307669, 22406018) and loss-of-function variants in NPC1 are known to be pathogenic (PMID: 9211850). For these reasons, this variant has been classified as Pathogenic.

Literature cited by the submitters: PubMed 19763152; PubMed 20307669; PubMed 22406018; PubMed 9211850.

NC_000018.10:g.23543572_23543573insTTTTTTTTTTTTTTTTTTTTNNNNNNNNNNCCACCACCAGTGTTATTTGATTTATGGAATTTTGAAACCTCTTCGGGGCCCAAAGTGCTGGGATTACAGGCGTGAGCCACCGCGCCCGGCCACGTTCATCTCTCTT

Gene: NPC1 (NPC intracellular cholesterol transporter 1; minus strand). Cytogenetic location: 18q11.2.
Variant type: Insertion.
Genome position: GRCh38: chr18:23,543,572-23,543,573. GRCh37 (hg19): chr18:21,123,536-21,123,537.
Identifiers: ClinVar variation 2707190 (VCV002707190.3).